The following is an entry in ClinVar:

ClinVar aggregate classification (germline): Uncertain significance (1 of 4 stars; one submission).

Submission:

Labcorp Genetics (formerly Invitae), Labcorp
Classification: Uncertain significance. Last evaluated: 2021-12-12. Review status: criteria provided, single submitter. Criteria: Invitae Variant Classification Sherloc (09022015). Collection method: clinical testing. Allele origin: germline.
Comment: This sequence change replaces serine, which is neutral and polar, with isoleucine, which is neutral and non-polar, at codon 39 of the LOXL3 protein (p.Ser39Ile). This variant is not present in population databases (gnomAD no frequency). This variant has not been reported in the literature in individuals affected with LOXL3-related conditions. Algorithms developed to predict the effect of missense changes on protein structure and function (SIFT, PolyPhen-2, Align-GVGD) all suggest that this variant is likely to be tolerated. In summary, the available evidence is currently insufficient to determine the role of this variant in disease. Therefore, it has been classified as a Variant of Uncertain Significance.

NM_032603.5(LOXL3):c.116G>T (p.Ser39Ile)

Genes: DOK1 (docking protein 1; plus strand), LOXL3 (lysyl oxidase like 3; minus strand). Cytogenetic location: 2p13.1.
Variant type: single nucleotide variant.
Coding change: c.116G>T on transcript NM_032603.5 (MANE Select); coding-DNA position 116, G replaced by T.
Protein change: p.Ser39Ile; replaces serine 39 with isoleucine.
Molecular consequence: missense variant. On other transcripts: intron variant (1).
Genome position (GRCh38, 1-based): chr2:74,552,519, C>A on the plus strand (G>T on the coding strand, the complement: LOXL3 is on the minus strand). VCF-style: chr2-74552519-C-A. GRCh37 (hg19) VCF-style: chr2-74779646-C-A.
Other names: c.116G>T, p.Ser39Ile (NM_001289164.3); c.-357-2635C>A (NM_001197260.2); short protein forms S39I.
Identifiers: ClinVar variation 1914892 (VCV001914892.2), dbSNP rs902932212, ClinGen allele CA50502737.